The following is an entry in ClinVar:

NC_000007.13:g.(?_151254277)_(151254328_?)del

Gene: PRKAG2 (protein kinase AMP-activated non-catalytic subunit gamma 2; minus strand). Cytogenetic location: 7q36.1.
Variant type: Deletion.
Identifiers: ClinVar variation 1054447 (VCV001054447.4).

ClinVar aggregate classification (germline): Uncertain significance (1 of 4 stars; one submission).

Conditions:
Lethal congenital glycogen storage disease of heart. Also called: GLYCOGEN STORAGE DISEASE OF HEART; PHOSPHORYLASE KINASE DEFICIENCY OF HEART. Identifiers: Orphanet 439854, MedGen C1849813, MONDO:0009867, OMIM 261740.

Submission:

Labcorp Genetics (formerly Invitae), Labcorp
Classification: Uncertain significance for Lethal congenital glycogen storage disease of heart. Last evaluated: 2020-04-09. Review status: criteria provided, single submitter. Criteria: Invitae Variant Classification Sherloc (09022015). Collection method: clinical testing. Allele origin: germline.
Comment: This variant is a gross deletion of the genomic region encompassing exon 16 of the PRKAG2 gene. The 5' boundary is likely confined to intron 15. The 3' end of this event is unknown as it extends through the termination codon beyond the assayed region for this gene and may encompass additional genes. While this deletion is not anticipated to result in nonsense mediated decay, it is expected to create a truncated protein product or disrupt mRNA translation. This variant has not been reported in the literature in individuals with PRKAG2-related conditions. In summary, the available evidence is currently insufficient to determine the role of this variant in disease. Therefore, it has been classified as a Variant of Uncertain Significance.